The following is an entry in ClinVar:

NM_000069.3(CACNA1S):c.2906+5A>G

Gene: CACNA1S (calcium voltage-gated channel subunit alpha1 S; minus strand). Cytogenetic location: 1q32.1.
Variant type: single nucleotide variant.
Coding change: c.2906+5A>G on transcript NM_000069.3 (MANE Select); 5 bases into the intron after coding-DNA position 2906, A replaced by G.
Molecular consequence: intron variant.
Genome position (GRCh38, 1-based): chr1:201,062,457, T>C on the plus strand (A>G on the coding strand, the complement: CACNA1S is on the minus strand). VCF-style: chr1-201062457-T-C. GRCh37 (hg19) VCF-style: chr1-201031585-T-C.
Identifiers: ClinVar variation 2044448 (VCV002044448.3), dbSNP rs1661086623, ClinGen allele CA1011176133.

ClinVar aggregate classification (germline): Uncertain significance. Review status: criteria provided, multiple submitters, no conflicts (2 of 4 stars). 2 submissions from 2 submitters: Uncertain significance (2). Last evaluated 2025-06-09.

Conditions:
Hypokalemic periodic paralysis, type 1. Also called: Hypokalemic Periodic Paralysis Type 1 (AD); HypoPP. Identifiers: Orphanet 681, MedGen C3714580, MONDO:0042979, OMIM 170400.
Malignant hyperthermia, susceptibility to, 5 (MHS5). Also called: CACNA1S-Related Malignant Hyperthermia Susceptibility. Identifiers: Orphanet 423, MedGen C1866077, MONDO:0011163, OMIM 601887.

gnomAD v4.1: 1 of 1,612,868 alleles (0.000062%); highest among the groups gnomAD compares: Non-Finnish European, 0.000085%; no homozygotes.

Submissions (2):

Color Diagnostics, LLC DBA Color Health
Classification: Uncertain significance for Malignant hyperthermia, susceptibility to, 5. Last evaluated: 2025-06-09. Review status: criteria provided, single submitter. Criteria: ACMG Guidelines, 2015. Collection method: clinical testing. Allele origin: germline.
Comment: This variant causes an A to G nucleotide substitution at the +5 position of intron 23/43 of the CACNA1S gene. To our knowledge, functional studies have not been reported for this variant. This variant has not been reported in individuals affected with CACNA1S-related disorders in the literature. This variant has not been identified in the general population by the Genome Aggregation Database (gnomAD). The available evidence is insufficient to determine the role of this variant in disease conclusively. Therefore, this variant is classified as a Variant of Uncertain Significance.

Labcorp Genetics (formerly Invitae), Labcorp
Classification: Uncertain significance for Hypokalemic periodic paralysis, type 1; Malignant hyperthermia, susceptibility to, 5. Last evaluated: 2022-07-23. Review status: criteria provided, single submitter. Criteria: Invitae Variant Classification Sherloc (09022015). Collection method: clinical testing. Allele origin: germline.
Comment: This sequence change falls in intron 23 of the CACNA1S gene. It does not directly change the encoded amino acid sequence of the CACNA1S protein. It affects a nucleotide within the consensus splice site. In summary, the available evidence is currently insufficient to determine the role of this variant in disease. Therefore, it has been classified as a Variant of Uncertain Significance. Variants that disrupt the consensus splice site are a relatively common cause of aberrant splicing (PMID: 17576681, 9536098). Algorithms developed to predict the effect of sequence changes on RNA splicing suggest that this variant is not likely to affect RNA splicing. This variant has not been reported in the literature in individuals affected with CACNA1S-related conditions. This variant is not present in population databases (gnomAD no frequency).

Literature cited by the submitters: PubMed 17576681 (cited by Labcorp Genetics (formerly Invitae), Labcorp); PubMed 9536098 (cited by Labcorp Genetics (formerly Invitae), Labcorp).